The following is an entry in ClinVar:

NM_001318895.3(FHL2):c.688G>A (p.Gly230Arg)

Genes: C2orf49 (chromosome 2 open reading frame 49; plus strand), FHL2 (four and a half LIM domains 2; minus strand). Cytogenetic location: 2q12.2.
Variant type: single nucleotide variant.
Coding change: c.688G>A on transcript NM_001318895.3 (MANE Select); coding-DNA position 688, G replaced by A.
Protein change: p.Gly230Arg; replaces glycine 230 with arginine.
Molecular consequence: missense variant.
Genome position (GRCh38, 1-based): chr2:105,363,285, C>T on the plus strand (G>A on the coding strand, the complement: FHL2 is on the minus strand). VCF-style: chr2-105363285-C-T. GRCh37 (hg19) VCF-style: chr2-105979742-C-T.
Other names: c.688G>A, p.Gly230Arg (NM_001039492.3, NM_001318894.1, NM_001318896.2 and 4 more transcripts); c.346G>A, p.Gly116Arg (NM_001318897.2, NM_001318898.2); c.364G>A, p.Gly122Arg (NM_001318899.2); short protein forms G122R, G116R, G230R.
Identifiers: ClinVar variation 846975 (VCV000846975.7), dbSNP rs534279240, ClinGen allele CA1814686.

ClinVar aggregate classification (germline): Uncertain significance (1 of 4 stars; one submission).

Conditions:
Primary dilated cardiomyopathy (DCM). Also called: Dilated Cardiomyopathy. Identifiers: Orphanet 217604, MedGen C0007193, MeSH D002311, MONDO:0005021, HP:0001644. Inheritance: Various modes of inheritance.

Allele frequency attached by ClinVar (database versions not stated): gnomAD exomes 0.00008 and 0.00003; 1000 Genomes Project 30x 0.00031; ExAC 0.00008; 1000 Genomes Project 0.00020; gnomAD 0.00003; TOPMed 0.00003.
gnomAD v4.1: 49 of 1,613,956 alleles (0.003%); highest among the groups gnomAD compares: South Asian, 0.024%; no homozygotes.

Submission:

Labcorp Genetics (formerly Invitae), Labcorp
Classification: Uncertain significance for Primary dilated cardiomyopathy. Last evaluated: 2024-09-23. Review status: criteria provided, single submitter. Criteria: Invitae Variant Classification Sherloc (09022015). Collection method: clinical testing. Allele origin: germline.
Comment: This sequence change replaces glycine, which is neutral and non-polar, with arginine, which is basic and polar, at codon 230 of the FHL2 protein (p.Gly230Arg). This variant is present in population databases (rs534279240, gnomAD 0.04%), and has an allele count higher than expected for a pathogenic variant. This variant has not been reported in the literature in individuals affected with FHL2-related conditions. ClinVar contains an entry for this variant (Variation ID: 846975). An algorithm developed to predict the effect of missense changes on protein structure and function (PolyPhen-2) suggests that this variant is likely to be disruptive. In summary, the available evidence is currently insufficient to determine the role of this variant in disease. Therefore, it has been classified as a Variant of Uncertain Significance.